The following is an entry in ClinVar:

NM_000069.3(CACNA1S):c.4247G>A (p.Arg1416Lys)

Gene: CACNA1S (calcium voltage-gated channel subunit alpha1 S; minus strand). Cytogenetic location: 1q32.1.
Variant type: single nucleotide variant.
Coding change: c.4247G>A on transcript NM_000069.3 (MANE Select); coding-DNA position 4247, G replaced by A.
Protein change: p.Arg1416Lys; replaces arginine 1416 with lysine.
Molecular consequence: missense variant.
Genome position (GRCh38, 1-based): chr1:201,049,094, C>T on the plus strand (G>A on the coding strand, the complement: CACNA1S is on the minus strand). VCF-style: chr1-201049094-C-T. GRCh37 (hg19) VCF-style: chr1-201018222-C-T.
Other names: short protein forms R1416K.
Identifiers: ClinVar variation 3073137 (VCV003073137.1), dbSNP rs2464438265, ClinGen allele CA344146620.

ClinVar aggregate classification (germline): Uncertain significance (1 of 4 stars; one submission).

Conditions:
Malignant hyperthermia, susceptibility to, 5 (MHS5). Also called: CACNA1S-Related Malignant Hyperthermia Susceptibility. Identifiers: Orphanet 423, MedGen C1866077, MONDO:0011163, OMIM 601887.

Submission:

All of Us Research Program, National Institutes of Health
Classification: Uncertain significance for Malignant hyperthermia, susceptibility to, 5. Last evaluated: 2023-08-23. Review status: criteria provided, single submitter. Criteria: ACMG Guidelines, 2015. Collection method: clinical testing. Allele origin: germline. Inheritance: Autosomal dominant inheritance. Observed: 1 variant allele, 1 heterozygote.
Comment: This missense variant replaces arginine with lysine at codon 1416 of the CACNA1S protein. Computational prediction suggests that this variant may not impact protein structure and function (internally defined REVEL score threshold <= 0.5, PMID: 27666373). To our knowledge, functional studies have not been reported for this variant. This variant has not been reported in individuals affected with CACNA1S-related disorders in the literature. This variant has not been identified in the general population by the Genome Aggregation Database (gnomAD). The available evidence is insufficient to determine the role of this variant in disease conclusively. Therefore, this variant is classified as a Variant of Uncertain Significance.

This study involves interpretation of variants in research participants for the purpose of population health screening. Participant phenotype was not available at the time of variant classification. Additional details can be found in publication PMID: 35346344, PMCID: PMC8962531